The following is an entry in ClinVar:

ClinVar aggregate classification (germline): Likely benign (1 of 4 stars; one submission).

Submission:

Mayo Clinic Laboratories, Mayo Clinic
Classification: Likely benign. Last evaluated: 2025-10-20. Review status: criteria provided, single submitter. Criteria: ACMG Guidelines, 2015. Collection method: clinical testing. Allele origin: germline. Observed: 1 variant allele.
Comment: BP4, BP7, PM2_supporting

NM_014244.5(ADAMTS2):c.2235T>C (p.Pro745=)

Gene: ADAMTS2 (ADAM metallopeptidase with thrombospondin type 1 motif 2; minus strand). Cytogenetic location: 5q35.3.
Variant type: single nucleotide variant.
Coding change: c.2235T>C on transcript NM_014244.5 (MANE Select); coding-DNA position 2235, T replaced by C.
Protein change: p.Pro745=; no amino-acid change (proline 745 retained).
Molecular consequence: synonymous variant.
Genome position (GRCh38, 1-based): chr5:179,132,285, A>G on the plus strand (T>C on the coding strand, the complement: ADAMTS2 is on the minus strand). VCF-style: chr5-179132285-A-G. GRCh37 (hg19) VCF-style: chr5-178559286-A-G.
Other names: p.Pro745=.
Identifiers: ClinVar variation 4684891 (VCV004684891.1).